The following is an entry in ClinVar:

ClinVar aggregate classification (germline): Conflicting classifications of pathogenicity. Review status: criteria provided, conflicting classifications (1 of 4 stars). 2 submissions from 2 submitters: Uncertain significance (1); Likely benign (1). Last evaluated 2026-08-14.

Conditions:
Hereditary cancer-predisposing syndrome. Also called: Hereditary Cancer Syndrome; Hereditary neoplastic syndrome; Neoplastic Syndromes, Hereditary; Tumor predisposition. Identifiers: Orphanet 140162, MedGen C0027672, MeSH D009386, MONDO:0015356.

Submissions (2):

Ambry Genetics
Classification: Likely benign for Hereditary cancer-predisposing syndrome. Last evaluated: 2026-08-14. Review status: criteria provided, single submitter. Criteria: Ambry Variant Classification Scheme 2023. Collection method: clinical testing. Allele origin: germline.

Labcorp Genetics (formerly Invitae), Labcorp
Classification: Uncertain significance. Last evaluated: 2022-11-08. Review status: criteria provided, single submitter. Criteria: Invitae Variant Classification Sherloc (09022015). Collection method: clinical testing. Allele origin: germline.
Comment: In summary, the available evidence is currently insufficient to determine the role of this variant in disease. Therefore, it has been classified as a Variant of Uncertain Significance. Advanced modeling of protein sequence and biophysical properties (such as structural, functional, and spatial information, amino acid conservation, physicochemical variation, residue mobility, and thermodynamic stability) performed at Invitae indicates that this missense variant is not expected to disrupt POLE protein function. This variant has not been reported in the literature in individuals affected with POLE-related conditions. This variant is not present in population databases (gnomAD no frequency). This sequence change replaces aspartic acid, which is acidic and polar, with tyrosine, which is neutral and polar, at codon 2013 of the POLE protein (p.Asp2013Tyr).

NM_006231.4(POLE):c.6037G>T (p.Asp2013Tyr)

Gene: POLE (DNA polymerase epsilon, catalytic subunit; minus strand). Cytogenetic location: 12q24.33.
Variant type: single nucleotide variant.
Coding change: c.6037G>T on transcript NM_006231.4 (MANE Select); coding-DNA position 6037, G replaced by T.
Protein change: p.Asp2013Tyr; replaces aspartic acid 2013 with tyrosine.
Molecular consequence: missense variant.
Genome position (GRCh38, 1-based): chr12:132,632,763, C>A on the plus strand (G>T on the coding strand, the complement: POLE is on the minus strand). VCF-style: chr12-132632763-C-A. GRCh37 (hg19) VCF-style: chr12-133209349-C-A.
Other names: c.6037G>T (NM_006231.2); short protein forms D2013Y.
Identifiers: ClinVar variation 2812952 (VCV002812952.4), dbSNP rs2138465143, ClinGen allele CA387370802.